The following is an entry in ClinVar:

ClinVar aggregate classification (germline): Uncertain significance (1 of 4 stars; one submission).

Submission:

GeneDx
Classification: Uncertain significance. Last evaluated: 2023-01-13. Review status: criteria provided, single submitter. Criteria: GeneDx Variant Classification Process June 2021. Collection method: clinical testing. Allele origin: germline. Affected: yes.
Comment: Not observed at significant frequency in large population cohorts (gnomAD); In silico analysis supports that this missense variant does not alter protein structure/function; Has not been previously published as pathogenic or benign to our knowledge

NM_001282531.3(ADNP):c.2093A>G (p.Asp698Gly)

Gene: ADNP (activity dependent neuroprotector homeobox; minus strand). Cytogenetic location: 20q13.13.
Variant type: single nucleotide variant.
Coding change: c.2093A>G on transcript NM_001282531.3 (MANE Select); coding-DNA position 2093, A replaced by G.
Protein change: p.Asp698Gly; replaces aspartic acid 698 with glycine.
Molecular consequence: missense variant.
Genome position (GRCh38, 1-based): chr20:50,892,621, T>C on the plus strand (A>G on the coding strand, the complement: ADNP is on the minus strand). VCF-style: chr20-50892621-T-C. GRCh37 (hg19) VCF-style: chr20-49509158-T-C.
Other names: c.2093A>G, p.Asp698Gly (NM_001282532.2, NM_001347511.2, NM_015339.5 and 1 more transcripts); short protein forms D698G.
Identifiers: ClinVar variation 2574281 (VCV002574281.1), dbSNP rs2515580955, ClinGen allele CA408971204.
Genomic context (GRCh38, chr20:50,892,621, plus strand): 5'-GTGCGCTTCACAGGTGCCAGACTTGGAGACTGATTAAGCCGAGAGGGTGCATTTGTCTTA[T>C]CCTGGCCATTTTGGGTCTTTCCAACGCCCCTGCAGTGAACTAGATGCAGAGTGATAGTTG-3'
Protein context (NP_001269460.1, residues 688-708): RGVGKTQNGQ[Asp698Gly]KTNAPSRLNQ